The following is an entry in ClinVar:

NM_007315.4(STAT1):c.200A>C (p.Gln67Pro)

Gene: STAT1 (signal transducer and activator of transcription 1; minus strand). Cytogenetic location: 2q32.2.
Variant type: single nucleotide variant.
Coding change: c.200A>C on transcript NM_007315.4 (MANE Select); coding-DNA position 200, A replaced by C.
Protein change: p.Gln67Pro; replaces glutamine 67 with proline.
Molecular consequence: missense variant.
Genome position (GRCh38, 1-based): chr2:191,009,036, T>G on the plus strand (A>C on the coding strand, the complement: STAT1 is on the minus strand). VCF-style: chr2-191009036-T-G. GRCh37 (hg19) VCF-style: chr2-191873762-T-G.
Other names: c.200A>C, p.Gln67Pro (NM_001384890.1, NM_139266.3, NM_001384880.1 and 7 more transcripts); c.236A>C, p.Gln79Pro (NM_001384891.1); c.206A>C, p.Gln69Pro (NM_001384881.1, NM_001384884.1); short protein forms Q69P, Q67P, Q79P.
Identifiers: ClinVar variation 2097602 (VCV002097602.4), dbSNP rs2470565369, ClinGen allele CA349927999.

ClinVar aggregate classification (germline): Pathogenic (1 of 4 stars; one submission).

Conditions:
Immunodeficiency 31B. Also called: STAT1 DEFICIENCY, AUTOSOMAL RECESSIVE; IMMUNODEFICIENCY 31B, MYCOBACTERIAL AND VIRAL INFECTIONS, AUTOSOMAL RECESSIVE. Identifiers: Orphanet 391311, MedGen C3151088, MONDO:0013427, OMIM 613796.
Mendelian susceptibility to mycobacterial diseases due to partial STAT1 deficiency. Also called: Immunodeficiency 31a; IMMUNODEFICIENCY 31A, MYCOBACTERIOSIS, AUTOSOMAL DOMINANT; STAT1 DEFICIENCY, AUTOSOMAL DOMINANT. Identifiers: Orphanet 319595, MedGen C4013950, MONDO:0013956, OMIM 614892.
Autoimmune enteropathy and endocrinopathy - susceptibility to chronic infections syndrome. Also called: Immunodeficiency 31C, autosomal dominant; Immunodeficiency 31C. Identifiers: Orphanet 391487, MedGen C3279990, MONDO:0013599, OMIM 614162.

Submission:

Labcorp Genetics (formerly Invitae), Labcorp
Classification: Pathogenic for Mendelian susceptibility to mycobacterial diseases due to partial STAT1 deficiency; Immunodeficiency 31B; Autoimmune enteropathy and endocrinopathy - susceptibility to chronic infections syndrome. Last evaluated: 2022-07-08. Review status: criteria provided, single submitter. Criteria: Invitae Variant Classification Sherloc (09022015). Collection method: clinical testing. Allele origin: germline.
Comment: This sequence change replaces glutamine, which is neutral and polar, with proline, which is neutral and non-polar, at codon 67 of the STAT1 protein (p.Gln67Pro). For these reasons, this variant has been classified as Pathogenic. Algorithms developed to predict the effect of missense changes on protein structure and function are either unavailable or do not agree on the potential impact of this missense change (SIFT: "Deleterious"; PolyPhen-2: "Probably Damaging"; Align-GVGD: "Class C0"). This missense change has been observed in individual(s) with clinical features of autosomal dominant STAT1 gain-of-function associated chronic mucocutaneous candidiasis (Invitae). It has also been observed to segregate with disease in related individuals. This variant is not present in population databases (gnomAD no frequency).